The following is an entry in ClinVar:

ClinVar aggregate classification (germline): Likely pathogenic (1 of 4 stars; one submission).

Conditions:
Bosch-Boonstra-Schaaf optic atrophy syndrome (BBSOAS). Also called: NR2F1-Related Neurodevelopmental Disorder. Identifiers: Orphanet 401777, MedGen C3810363, MONDO:0014320, OMIM 615722.

Submission:

Institute of Human Genetics, University of Leipzig Medical Center
Classification: Likely pathogenic for Bosch-Boonstra-Schaaf optic atrophy syndrome. Last evaluated: 2022-01-25. Review status: criteria provided, single submitter. Criteria: ACMG Guidelines, 2015. Collection method: clinical testing. Allele origin: de novo. Affected: yes.
Comment: This variant was identified as de novo (maternity and paternity confirmed)._x000D_ Criteria applied: PS2_MOD, PM1, PM2_SUP, PP3

NM_005654.6(NR2F1):c.331A>G (p.Lys111Glu)

Genes: NR2F1-AS1 (NR2F1 regulatory antisense RNA 1; minus strand), NR2F1 (nuclear receptor subfamily 2 group F member 1; plus strand). Cytogenetic location: 5q15.
Variant type: single nucleotide variant.
Coding change: c.331A>G on transcript NM_005654.6 (MANE Select); coding-DNA position 331, A replaced by G.
Protein change: p.Lys111Glu; replaces lysine 111 with glutamic acid.
Molecular consequence: missense variant.
Genome position (GRCh38, 1-based): chr5:93,585,354, A>G. VCF-style: chr5-93585354-A-G. GRCh37 (hg19) VCF-style: chr5-92921060-A-G.
Other names: short protein forms K111E.
Identifiers: ClinVar variation 1338805 (VCV001338805.1), dbSNP rs2149941611, ClinGen allele CA360526042.
Genomic context (GRCh38, chr5:93,585,354, plus strand): 5'-GACAAGTCGAGCGGCAAGCACTACGGCCAATTCACCTGCGAGGGCTGCAAAAGTTTCTTC[A>G]AGAGGAGCGTCCGCAGGAACTTAACTTACACATGCCGTGCCAACAGGAACTGTCCCATCG-3'
Protein context (NP_005645.1, residues 101-121): FTCEGCKSFF[Lys111Glu]RSVRRNLTYT